The following is an entry in ClinVar:

ClinVar aggregate classification (germline): Uncertain significance (1 of 4 stars; one submission).

Submission:

GeneDx
Classification: Uncertain significance. Last evaluated: 2026-02-25. Review status: criteria provided, single submitter. Criteria: GeneDx Variant Classification Process June 2021. Collection method: clinical testing. Allele origin: germline.
Comment: Not observed at significant frequency in large population cohorts (gnomAD); In silico analysis supports a deleterious effect on splicing; Has not been previously published as pathogenic or benign to our knowledge

NM_002971.6(SATB1):c.-24-9T>G

Gene: SATB1 (SATB homeobox 1; minus strand). Cytogenetic location: 3p24.3.
Variant type: single nucleotide variant.
Coding change: c.-24-9T>G on transcript NM_002971.6 (MANE Select); 9 bases into the intron before 24 bases upstream of the start codon, T replaced by G.
Molecular consequence: intron variant.
Genome position (GRCh38, 1-based): chr3:18,421,000, A>C on the plus strand (T>G on the coding strand, the complement: SATB1 is on the minus strand). VCF-style: chr3-18421000-A-C. GRCh37 (hg19) VCF-style: chr3-18462492-A-C.
Other names: c.-24-9T>G (NM_001322874.2, NM_001322872.2, NM_001322873.2 and 4 more transcripts); c.-5-3922T>G (NM_001322876.2).
Identifiers: ClinVar variation 5009776 (VCV005009776.1).